The following is an entry in ClinVar:

ClinVar aggregate classification (germline): Uncertain significance (1 of 4 stars; one submission).

Submission:

Labcorp Genetics (formerly Invitae), Labcorp
Classification: Uncertain significance. Last evaluated: 2024-10-30. Review status: criteria provided, single submitter. Criteria: Invitae Variant Classification Sherloc (09022015). Collection method: clinical testing. Allele origin: germline.
Comment: This sequence change replaces glycine, which is neutral and non-polar, with glutamic acid, which is acidic and polar, at codon 1353 of the CACNA1D protein (p.Gly1353Glu). This variant is not present in population databases (gnomAD no frequency). This variant has not been reported in the literature in individuals affected with CACNA1D-related conditions. Invitae Evidence Modeling of protein sequence and biophysical properties (such as structural, functional, and spatial information, amino acid conservation, physicochemical variation, residue mobility, and thermodynamic stability) indicates that this missense variant is not expected to disrupt CACNA1D protein function with a negative predictive value of 80%. In summary, the available evidence is currently insufficient to determine the role of this variant in disease. Therefore, it has been classified as a Variant of Uncertain Significance.

NM_001128840.3(CACNA1D):c.3998G>A (p.Gly1333Glu)

Gene: CACNA1D (calcium voltage-gated channel subunit alpha1 D; plus strand). Cytogenetic location: 3p21.1.
Variant type: single nucleotide variant.
Coding change: c.3998G>A on transcript NM_001128840.3 (MANE Select); coding-DNA position 3998, G replaced by A.
Protein change: p.Gly1333Glu; replaces glycine 1333 with glutamic acid.
Molecular consequence: missense variant.
Genome position (GRCh38, 1-based): chr3:53,770,506, G>A. VCF-style: chr3-53770506-G-A. GRCh37 (hg19) VCF-style: chr3-53804533-G-A.
Other names: c.4058G>A, p.Gly1353Glu (NM_000720.4); c.3953G>A, p.Gly1318Glu (NM_001128839.3); short protein forms G1333E, G1318E, G1353E.
Identifiers: ClinVar variation 3730245 (VCV003730245.2).
Genomic context (GRCh38, chr3:53,770,506, plus strand): 5'-TCTCCATCACCTTTTTCCGTCTTTTCCGAGTGATGCGATTGGTGAAGCTTCTCAGCAGGG[G>A]GGAAGGCATCCGGACATTGCTGTGGACTTTTATTAAGTCCTTTCAGGTAAGAGCCATGCC-3'
Protein context (NP_001122312.1, residues 1323-1343): VMRLVKLLSR[Gly1333Glu]EGIRTLLWTF